The following is an entry in ClinVar:

NM_144997.7(FLCN):c.1109T>A (p.Met370Lys)

Gene: FLCN (folliculin; minus strand). Cytogenetic location: 17p11.2.
Variant type: single nucleotide variant.
Coding change: c.1109T>A on transcript NM_144997.7 (MANE Select); coding-DNA position 1109, T replaced by A.
Protein change: p.Met370Lys; replaces methionine 370 with lysine.
Molecular consequence: missense variant.
Genome position (GRCh38, 1-based): chr17:17,217,136, A>T on the plus strand (T>A on the coding strand, the complement: FLCN is on the minus strand). VCF-style: chr17-17217136-A-T. GRCh37 (hg19) VCF-style: chr17-17120450-A-T.
Other names: c.1163T>A, p.Met388Lys (NM_001353229.2); c.1109T>A, p.Met370Lys (NM_001353230.2, NM_001353231.2); short protein forms M370K, M388K.
Identifiers: ClinVar variation 5021848 (VCV005021848.1).

ClinVar aggregate classification (germline): Uncertain significance (1 of 4 stars; one submission).

Conditions:
Hereditary cancer-predisposing syndrome. Also called: Neoplastic Syndromes, Hereditary; Tumor predisposition; Hereditary neoplastic syndrome; Hereditary Cancer Syndrome. Identifiers: Orphanet 140162, MedGen C0027672, MeSH D009386, MONDO:0015356.

Submission:

Ambry Genetics
Classification: Uncertain significance for Hereditary cancer-predisposing syndrome. Last evaluated: 2026-07-07. Review status: criteria provided, single submitter. Criteria: Ambry Variant Classification Scheme 2023. Collection method: clinical testing. Allele origin: germline.
Comment: The p.M370K variant (also known as c.1109T>A), located in coding exon 7 of the FLCN gene, results from a T to A substitution at nucleotide position 1109. The methionine at codon 370 is replaced by lysine, an amino acid with similar properties. This amino acid position is conserved. In addition, this alteration is predicted to be deleterious by in silico analysis. Based on the available evidence, the clinical significance of this variant remains unclear.